The following is an entry in ClinVar:

NM_001267550.2(TTN):c.61243del (p.Thr20415fs)

Genes: TTN (titin; minus strand), TTN-AS1 (TTN antisense RNA 1; plus strand). Cytogenetic location: 2q31.2.
Variant type: Deletion.
Coding change: c.61243del on transcript NM_001267550.2 (MANE Select); coding-DNA position 61243, one base deleted (A; older notation c.61243delA).
Protein change: p.Thr20415fs; shifts the reading frame from threonine 20415.
Molecular consequence: frameshift variant.
Genome position (GRCh38, 1-based): chr2:178,590,482, T deleted on the plus strand (A on the coding strand, the reverse complement: TTN is on the minus strand). VCF-style (leftmost placement, unchanged base first): chr2-178590481-GT-G. GRCh37 (hg19) VCF-style: chr2-179455208-GT-G.
Other names: c.34423del, p.Thr11475fs (NM_133432.3); c.34624del, p.Thr11542fs (NM_133437.4); c.56320del, p.Thr18774fs (NM_001256850.1); c.34048del, p.Thr11350fs (NM_003319.4); c.53539del, p.Thr17847fs (NM_133378.4); short protein forms T11350fs, T11475fs, T11542fs, T17847fs, T18774fs, T20415fs.
Identifiers: ClinVar variation 5037794 (VCV005037794.1).

ClinVar aggregate classification (germline): Likely pathogenic (1 of 4 stars; one submission).

Conditions:
Cardiovascular phenotype. Identifiers: MedGen CN230736.

Submission:

Molecular Diagnostic Laboratory for Inherited Cardiovascular Disease, Montreal Heart Institute
Classification: Likely pathogenic for Cardiovascular phenotype. Last evaluated: 2026-07-09. Review status: criteria provided, single submitter. Criteria: ACMG Guidelines, 2015. Collection method: clinical testing. Allele origin: germline. Affected: yes.
Comment: PVS1, PM2